The following is an entry in ClinVar:

NM_014727.3(KMT2B):c.6748C>A (p.Arg2250Ser)

Gene: KMT2B (lysine methyltransferase 2B; plus strand). Cytogenetic location: 19q13.12.
Variant type: single nucleotide variant.
Coding change: c.6748C>A on transcript NM_014727.3 (MANE Select); coding-DNA position 6748, C replaced by A.
Protein change: p.Arg2250Ser; replaces arginine 2250 with serine.
Molecular consequence: missense variant.
Genome position (GRCh38, 1-based): chr19:35,733,297, C>A. VCF-style: chr19-35733297-C-A. GRCh37 (hg19) VCF-style: chr19-36224198-C-A.
Other names: short protein forms R2250S.
Identifiers: ClinVar variation 3652410 (VCV003652410.2).

ClinVar aggregate classification (germline): Uncertain significance (1 of 4 stars; one submission).

Submission:

Labcorp Genetics (formerly Invitae), Labcorp
Classification: Uncertain significance. Last evaluated: 2024-05-08. Review status: criteria provided, single submitter. Criteria: Invitae Variant Classification Sherloc (09022015). Collection method: clinical testing. Allele origin: germline.
Comment: This sequence change replaces arginine, which is basic and polar, with serine, which is neutral and polar, at codon 2250 of the KMT2B protein (p.Arg2250Ser). This variant is not present in population databases (gnomAD no frequency). This variant has not been reported in the literature in individuals affected with KMT2B-related conditions. Advanced modeling of protein sequence and biophysical properties (such as structural, functional, and spatial information, amino acid conservation, physicochemical variation, residue mobility, and thermodynamic stability) performed at Invitae indicates that this missense variant is not expected to disrupt KMT2B protein function with a negative predictive value of 95%. In summary, the available evidence is currently insufficient to determine the role of this variant in disease. Therefore, it has been classified as a Variant of Uncertain Significance.